The following is an entry in ClinVar:

NM_006767.4(LZTR1):c.593+11G>A

Gene: LZTR1 (leucine zipper like post translational regulator 1; plus strand). Cytogenetic location: 22q11.21.
Variant type: single nucleotide variant.
Coding change: c.593+11G>A on transcript NM_006767.4 (MANE Select); 11 bases into the intron after coding-DNA position 593, G replaced by A.
Molecular consequence: intron variant.
Genome position (GRCh38, 1-based): chr22:20,988,883, G>A. VCF-style: chr22-20988883-G-A. GRCh37 (hg19) VCF-style: chr22-21343172-G-A.
Identifiers: ClinVar variation 1698579 (VCV001698579.6), dbSNP rs200649588, ClinGen allele CA10118500.

ClinVar aggregate classification (germline): Benign/Likely benign. Review status: criteria provided, multiple submitters, no conflicts (2 of 4 stars). 2 submissions from 2 submitters: Benign (1); Likely benign (1). Last evaluated 2026-01-13.

Allele frequency attached by ClinVar (database versions not stated): ExAC 0.00003; gnomAD exomes 0.00003 and 0.00006; gnomAD 0.00001; TOPMed 0.00003; 1000 Genomes Project 30x 0.00016; 1000 Genomes Project 0.00020.
gnomAD v4.1: 16 of 1,612,388 alleles (0.00099%); highest among the groups gnomAD compares: Admixed American, 0.027%; no homozygotes.

Submissions (2):

Labcorp Genetics (formerly Invitae), Labcorp
Classification: Likely benign. Last evaluated: 2026-01-13. Review status: criteria provided, single submitter. Criteria: Invitae Variant Classification Sherloc (09022015). Collection method: clinical testing. Allele origin: germline.

Women's Health and Genetics/Laboratory Corporation of America, LabCorp
Classification: Benign. Last evaluated: 2022-06-16. Review status: criteria provided, single submitter. Criteria: LabCorp Variant Classification Summary - May 2015. Collection method: clinical testing. Allele origin: germline.
Comment: Variant summary: LZTR1 c.593+11G>A alters a non-conserved nucleotide located close to a canonical splice site and therefore could affect mRNA splicing, leading to a significantly altered protein sequence. 4/4 computational tools predict no significant impact on normal splicing. However, these predictions have yet to be confirmed by functional studies. The variant allele was found at a frequency of 6e-05 in 250644 control chromosomes, predominantly at a frequency of 0.00043 within the Latino subpopulation in the gnomAD database. The observed variant frequency within Latino control individuals in the gnomAD database is approximately 86 fold of the estimated maximal expected allele frequency for a pathogenic variant in LZTR1 causing Noonan Syndrome phenotype (5e-06), strongly suggesting that the variant is a benign polymorphism found primarily in populations of Latino origin. To our knowledge, no occurrence of c.593+11G>A in individuals affected with Noonan Syndrome and no experimental evidence demonstrating its impact on protein function have been reported. No clinical diagnostic laboratories have submitted clinical-significance assessments for this variant to ClinVar after 2014. Based on the evidence outlined above, the variant was classified as benign.